The following is an entry in ClinVar:

NM_000352.6(ABCC8):c.1369G>A (p.Gly457Arg)

Gene: ABCC8 (ATP binding cassette subfamily C member 8; minus strand). Cytogenetic location: 11p15.1.
Variant type: single nucleotide variant.
Coding change: c.1369G>A on transcript NM_000352.6 (MANE Select); coding-DNA position 1369, G replaced by A.
Protein change: p.Gly457Arg; replaces glycine 457 with arginine.
Molecular consequence: missense variant. On other transcripts: non-coding transcript variant (1).
Genome position (GRCh38, 1-based): chr11:17,443,276, C>T on the plus strand (G>A on the coding strand, the complement: ABCC8 is on the minus strand). VCF-style: chr11-17443276-C-T. GRCh37 (hg19) VCF-style: chr11-17464823-C-T.
Other names: c.1369G>A, p.Gly457Arg (NM_001287174.3, NM_001351295.2); c.1366G>A, p.Gly456Arg (NM_001351296.2, NM_001351297.2); short protein forms G456R, G457R.
Identifiers: ClinVar variation 3385242 (VCV003385242.2).

ClinVar aggregate classification (germline): Uncertain significance. Review status: criteria provided, multiple submitters, no conflicts (2 of 4 stars). 2 submissions from 2 submitters: Uncertain significance (2). Last evaluated 2025-10-12.

gnomAD v4.1: 42 of 1,613,962 alleles (0.0026%); highest among the groups gnomAD compares: South Asian, 0.015%; no homozygotes.

Submissions (2):

Labcorp Genetics (formerly Invitae), Labcorp
Classification: Uncertain significance. Last evaluated: 2025-10-12. Review status: criteria provided, single submitter. Criteria: Invitae Variant Classification Sherloc (09022015). Collection method: clinical testing. Allele origin: germline.
Comment: This sequence change replaces glycine, which is neutral and non-polar, with arginine, which is basic and polar, at codon 457 of the ABCC8 protein (p.Gly457Arg). This variant is present in population databases (rs771959876, gnomAD 0.02%). This variant has not been reported in the literature in individuals affected with ABCC8-related conditions. ClinVar contains an entry for this variant (Variation ID: 3385242). Invitae Evidence Modeling of protein sequence and biophysical properties (such as structural, functional, and spatial information, amino acid conservation, physicochemical variation, residue mobility, and thermodynamic stability) indicates that this missense variant is expected to disrupt ABCC8 protein function with a positive predictive value of 95%. In summary, the available evidence is currently insufficient to determine the role of this variant in disease. Therefore, it has been classified as a Variant of Uncertain Significance.

Women's Health and Genetics/Laboratory Corporation of America, LabCorp
Classification: Uncertain significance. Last evaluated: 2024-10-17. Review status: criteria provided, single submitter. Criteria: LabCorp Variant Classification Summary - May 2015. Collection method: clinical testing. Allele origin: germline.
Comment: Variant summary: ABCC8 c.1369G>A (p.Gly457Arg) results in a non-conservative amino acid change located in the ABC transporter type 1, transmembrane domain (IPR011527) of the encoded protein sequence. Five of five in-silico tools predict a damaging effect of the variant on protein function. The variant allele was found at a frequency of 4.8e-05 in 251336 control chromosomes (gnomAD). This frequency is not significantly higher than estimated for a pathogenic variant in ABCC8 causing Familial Hyperinsulinism (4.8e-05 vs 0.0034), allowing no conclusion about variant significance. c.1369G>A has been reported in the literature in individuals affected with dibeted (De Franco_2020). This report does not provide unequivocal conclusions about association of the variant with Familial Hyperinsulinism. To our knowledge, no experimental evidence demonstrating an impact on protein function has been reported. The following publication has been ascertained in the context of this evaluation (PMID: 32027066). No submitters have cited clinical-significance assessments for this variant to ClinVar. Based on the evidence outlined above, the variant was classified as uncertain significance.

Literature cited by the submitters: PubMed 32027066 (cited by Women's Health and Genetics/Laboratory Corporation of America, LabCorp).